The following is an entry in ClinVar:

NM_024675.4(PALB2):c.2837C>G (p.Ala946Gly)

Gene: PALB2 (partner and localizer of BRCA2; minus strand). Cytogenetic location: 16p12.2.
Variant type: single nucleotide variant.
Coding change: c.2837C>G on transcript NM_024675.4 (MANE Select); coding-DNA position 2837, C replaced by G.
Protein change: p.Ala946Gly; replaces alanine 946 with glycine.
Molecular consequence: missense variant.
Genome position (GRCh38, 1-based): chr16:23,623,128, G>C on the plus strand (C>G on the coding strand, the complement: PALB2 is on the minus strand). VCF-style: chr16-23623128-G-C. GRCh37 (hg19) VCF-style: chr16-23634449-G-C.
Other names: short protein forms A946G.
Identifiers: ClinVar variation 126690 (VCV000126690.3), dbSNP rs515726100, ClinGen allele CA269579.
Genomic context (GRCh38, chr16:23,623,128, plus strand): 5'-ATATTTCCAGACTTCAGTAGTACTTGCTTTTCACTTTCATCATCAGAGGAACAAAACAAT[G>C]CCCTAAGCCAAATATAAGGAAAAATGGGGTGATGTGAGGAGTAACCTTTTAATATTAAAG-3'
Protein context (NP_078951.2, residues 936-956): LGNLEIREIR[Ala946Gly]LFCSSDDESE

ClinVar aggregate classification (germline): Uncertain significance (0 of 4 stars; one submission).

Conditions:
Familial cancer of breast. Also called: BREAST CANCER, FAMILIAL; hereditary breast carcinoma; Hereditary breast cancer. Identifiers: Orphanet 227535, MedGen C0346153, MONDO:0016419, OMIM 114480. Disease mechanism: loss of function.

Submission:

Leiden Open Variation Database
Classification: Uncertain significance for Familial cancer of breast. Last evaluated: 2019-05-13. Review status: no assertion criteria provided. Collection method: curation. Allele origin: germline. Affected: yes.
Comment: Curators: Marc Tischkowitz, Arleen D. Auerbach. Submitter to LOVD: Marc Tischkowitz.

Literature cited by the submitters: PubMed 23935836.